The following is an entry in ClinVar:

ClinVar aggregate classification (germline): Uncertain significance (1 of 4 stars; one submission).

Conditions:
Hereditary cancer-predisposing syndrome. Also called: Tumor predisposition; Neoplastic Syndromes, Hereditary; Hereditary neoplastic syndrome; Hereditary Cancer Syndrome. Identifiers: Orphanet 140162, MedGen C0027672, MeSH D009386, MONDO:0015356.

Submission:

Ambry Genetics
Classification: Uncertain significance for Hereditary cancer-predisposing syndrome. Last evaluated: 2025-08-31. Review status: criteria provided, single submitter. Criteria: Ambry Variant Classification Scheme 2023. Collection method: clinical testing. Allele origin: germline.
Comment: The p.D1151G variant (also known as c.3452A>G), located in coding exon 16 of the MET gene, results from an A to G substitution at nucleotide position 3452. The aspartic acid at codon 1151 is replaced by glycine, an amino acid with similar properties. This amino acid position is conserved. In addition, the in silico prediction for this alteration is inconclusive. Based on the available evidence, the clinical significance of this variant remains unclear.

NM_000245.4(MET):c.3398A>G (p.Asp1133Gly)

Gene: MET (MET proto-oncogene, receptor tyrosine kinase; plus strand). Cytogenetic location: 7q31.2.
Variant type: single nucleotide variant.
Coding change: c.3398A>G on transcript NM_000245.4 (MANE Select); coding-DNA position 3398, A replaced by G.
Protein change: p.Asp1133Gly; replaces aspartic acid 1133 with glycine.
Molecular consequence: missense variant.
Genome position (GRCh38, 1-based): chr7:116,778,833, A>G. VCF-style: chr7-116778833-A-G. GRCh37 (hg19) VCF-style: chr7-116418887-A-G.
Other names: c.3452A>G, p.Asp1151Gly (NM_001127500.3); c.2108A>G, p.Asp703Gly (NM_001324402.2); short protein forms D1133G, D1151G, D703G.
Identifiers: ClinVar variation 4106809 (VCV004106809.1).